The following is an entry in ClinVar:

ClinVar aggregate classification (germline): Uncertain significance. Review status: criteria provided, multiple submitters, no conflicts (2 of 4 stars). 2 submissions from 2 submitters: Uncertain significance (2). Last evaluated 2024-10-05.

Conditions:
Tumor predisposition syndrome 3 (TPDS3). Also called: Melanoma, cutaneous malignant, susceptibility to, 10; Glioma susceptibility 9; LONG TELOMERE SYNDROME, POT1-RELATED; POT1 Tumor Predisposition. Identifiers: Orphanet 618, MedGen C4014476, MONDO:0014368, OMIM 615848.
Hereditary cancer-predisposing syndrome. Also called: Neoplastic Syndromes, Hereditary; Hereditary Cancer Syndrome; Hereditary neoplastic syndrome; Tumor predisposition. Identifiers: Orphanet 140162, MedGen C0027672, MeSH D009386, MONDO:0015356.

Allele frequency attached by ClinVar (database versions not stated): gnomAD exomes below 0.00001; ExAC 0.00001.
gnomAD v4.1: 1 of 1,599,458 alleles (0.000063%); highest among the groups gnomAD compares: Non-Finnish European, 0.000085%; no homozygotes.

Submissions (2):

Ambry Genetics
Classification: Uncertain significance for Hereditary cancer-predisposing syndrome. Last evaluated: 2024-10-05. Review status: criteria provided, single submitter. Criteria: Ambry Variant Classification Scheme 2023. Collection method: clinical testing. Allele origin: germline.
Comment: The p.P347L variant (also known as c.1040C>T), located in coding exon 9 of the POT1 gene, results from a C to T substitution at nucleotide position 1040. The proline at codon 347 is replaced by leucine, an amino acid with similar properties. This amino acid position is conserved. In addition, this alteration is predicted to be tolerated by in silico analysis. Since supporting evidence is limited at this time, the clinical significance of this alteration remains unclear.

Labcorp Genetics (formerly Invitae), Labcorp
Classification: Uncertain significance for Tumor predisposition syndrome 3. Last evaluated: 2024-08-28. Review status: criteria provided, single submitter. Criteria: Invitae Variant Classification Sherloc (09022015). Collection method: clinical testing. Allele origin: germline.
Comment: This sequence change replaces proline, which is neutral and non-polar, with leucine, which is neutral and non-polar, at codon 347 of the POT1 protein (p.Pro347Leu). This variant is present in population databases (rs775456070, gnomAD 0.0009%). This variant has not been reported in the literature in individuals affected with POT1-related conditions. ClinVar contains an entry for this variant (Variation ID: 1051711). Invitae Evidence Modeling of protein sequence and biophysical properties (such as structural, functional, and spatial information, amino acid conservation, physicochemical variation, residue mobility, and thermodynamic stability) indicates that this missense variant is not expected to disrupt POT1 protein function with a negative predictive value of 80%. In summary, the available evidence is currently insufficient to determine the role of this variant in disease. Therefore, it has been classified as a Variant of Uncertain Significance.

NM_015450.3(POT1):c.1040C>T (p.Pro347Leu)

Gene: POT1 (protection of telomeres 1; minus strand). Cytogenetic location: 7q31.33.
Variant type: single nucleotide variant.
Coding change: c.1040C>T on transcript NM_015450.3 (MANE Select); coding-DNA position 1040, C replaced by T.
Protein change: p.Pro347Leu; replaces proline 347 with leucine.
Molecular consequence: missense variant. On other transcripts: non-coding transcript variant (3).
Genome position (GRCh38, 1-based): chr7:124,842,930, G>A on the plus strand (C>T on the coding strand, the complement: POT1 is on the minus strand). VCF-style: chr7-124842930-G-A. GRCh37 (hg19) VCF-style: chr7-124482984-G-A.
Other names: c.647C>T, p.Pro216Leu (NM_001042594.2); short protein forms P216L, P347L.
Identifiers: ClinVar variation 1051711 (VCV001051711.12), dbSNP rs775456070, ClinGen allele CA4465241.